The following is an entry in ClinVar:

NM_001127222.2(CACNA1A):c.7433C>T (p.Pro2478Leu)

Gene: CACNA1A (calcium voltage-gated channel subunit alpha1 A; minus strand). Cytogenetic location: 19p13.13.
Variant type: single nucleotide variant.
Coding change: c.7433C>T on transcript NM_001127222.2 (MANE Select); coding-DNA position 7433, C replaced by T.
Protein change: p.Pro2478Leu; replaces proline 2478 with leucine.
Molecular consequence: missense variant. On other transcripts: 3 prime UTR variant (3).
Genome position (GRCh38, 1-based): chr19:13,207,401, G>A on the plus strand (C>T on the coding strand, the complement: CACNA1A is on the minus strand). VCF-style: chr19-13207401-G-A. GRCh37 (hg19) VCF-style: chr19-13318215-G-A.
Other names: c.7451C>T, p.Pro2484Leu (NM_023035.3); c.*645C>T (NM_000068.4, NM_001127221.2, NM_001174080.2); short protein forms P2478L, P2484L.
Identifiers: ClinVar variation 2684119 (VCV002684119.1), dbSNP rs764648125, ClinGen allele CA9239167.

ClinVar aggregate classification (germline): Uncertain significance (1 of 4 stars; one submission).

Allele frequency attached by ClinVar (database versions not stated): gnomAD 0.00002; TOPMed 0.00005; ExAC 0.00007; gnomAD exomes 0.00013.
gnomAD v4.1: 175 of 1,537,168 alleles (0.011%); highest among the groups gnomAD compares: Non-Finnish European, 0.015%; no homozygotes.

Submission:

Athena Diagnostics
Classification: Uncertain significance. Last evaluated: 2023-01-10. Review status: criteria provided, single submitter. Criteria: Athena Diagnostics Criteria. Collection method: clinical testing. Allele origin: unknown.
Comment: Available data are insufficient to determine the clinical significance of the variant at this time. The frequency of this variant in the general population is uninformative in assessment of its pathogenicity. Computational tools predict that this variant is not damaging.